The following is an entry in ClinVar:

NM_024577.4(SH3TC2):c.3806G>C (p.Arg1269Thr)

Gene: SH3TC2 (SH3 domain and tetratricopeptide repeats 2; minus strand). Cytogenetic location: 5q32.
Variant type: single nucleotide variant.
Coding change: c.3806G>C on transcript NM_024577.4 (MANE Select); coding-DNA position 3806, G replaced by C.
Protein change: p.Arg1269Thr; replaces arginine 1269 with threonine.
Molecular consequence: missense variant.
Genome position (GRCh38, 1-based): chr5:149,004,772, C>G on the plus strand (G>C on the coding strand, the complement: SH3TC2 is on the minus strand). VCF-style: chr5-149004772-C-G. GRCh37 (hg19) VCF-style: chr5-148384335-C-G.
Other names: short protein forms R1269T.
Identifiers: ClinVar variation 2130535 (VCV002130535.4), dbSNP rs2531739044, ClinGen allele CA361663306.

ClinVar aggregate classification (germline): Uncertain significance (1 of 4 stars; one submission).

Conditions:
Charcot-Marie-Tooth disease type 4. Also called: Charcot-Marie-Tooth disease, type IV; Charcot-Marie-Tooth, Type 4. Identifiers: Orphanet 64749, MedGen C4082197, MONDO:0018995.

Submission:

Labcorp Genetics (formerly Invitae), Labcorp
Classification: Uncertain significance for Charcot-Marie-Tooth disease type 4. Last evaluated: 2022-04-25. Review status: criteria provided, single submitter. Criteria: Invitae Variant Classification Sherloc (09022015). Collection method: clinical testing. Allele origin: germline.
Comment: In summary, the available evidence is currently insufficient to determine the role of this variant in disease. Therefore, it has been classified as a Variant of Uncertain Significance. Advanced modeling of protein sequence and biophysical properties (such as structural, functional, and spatial information, amino acid conservation, physicochemical variation, residue mobility, and thermodynamic stability) performed at Invitae indicates that this missense variant is not expected to disrupt SH3TC2 protein function. This variant has not been reported in the literature in individuals affected with SH3TC2-related conditions. This variant is not present in population databases (gnomAD no frequency). This sequence change replaces arginine, which is basic and polar, with threonine, which is neutral and polar, at codon 1269 of the SH3TC2 protein (p.Arg1269Thr).